The following is an entry in ClinVar:

NM_004565.3(PEX14):c.307G>A (p.Gly103Ser)

Gene: PEX14 (peroxisomal biogenesis factor 14; plus strand). Cytogenetic location: 1p36.22.
Variant type: single nucleotide variant.
Coding change: c.307G>A on transcript NM_004565.3 (MANE Select); coding-DNA position 307, G replaced by A.
Protein change: p.Gly103Ser; replaces glycine 103 with serine.
Molecular consequence: missense variant.
Genome position (GRCh38, 1-based): chr1:10,618,340, G>A. VCF-style: chr1-10618340-G-A. GRCh37 (hg19) VCF-style: chr1-10678397-G-A.
Other names: short protein forms G103S.
Identifiers: ClinVar variation 3626885 (VCV003626885.2).

ClinVar aggregate classification (germline): Uncertain significance (1 of 4 stars; one submission).

Conditions:
Peroxisome biogenesis disorder, complementation group K (CGK). Identifiers: MedGen C1866257, MONDO:0800365.

gnomAD v4.1: 2 of 1,613,802 alleles (0.00012%); highest among the groups gnomAD compares: Non-Finnish European, 0.00017%; no homozygotes.

Submission:

Labcorp Genetics (formerly Invitae), Labcorp
Classification: Uncertain significance for Peroxisome biogenesis disorder, complementation group K. Last evaluated: 2024-10-24. Review status: criteria provided, single submitter. Criteria: Invitae Variant Classification Sherloc (09022015). Collection method: clinical testing. Allele origin: germline.
Comment: This sequence change replaces glycine, which is neutral and non-polar, with serine, which is neutral and polar, at codon 103 of the PEX14 protein (p.Gly103Ser). This variant is not present in population databases (gnomAD no frequency). This variant has not been reported in the literature in individuals affected with PEX14-related conditions. Invitae Evidence Modeling of protein sequence and biophysical properties (such as structural, functional, and spatial information, amino acid conservation, physicochemical variation, residue mobility, and thermodynamic stability) indicates that this missense variant is not expected to disrupt PEX14 protein function with a negative predictive value of 80%. In summary, the available evidence is currently insufficient to determine the role of this variant in disease. Therefore, it has been classified as a Variant of Uncertain Significance.